The following is an entry in ClinVar:

ClinVar aggregate classification (germline): Uncertain significance (1 of 4 stars; one submission).

Conditions:
Hereditary cancer-predisposing syndrome. Also called: Tumor predisposition; Hereditary neoplastic syndrome; Hereditary Cancer Syndrome; Neoplastic Syndromes, Hereditary. Identifiers: Orphanet 140162, MedGen C0027672, MeSH D009386, MONDO:0015356.

Submission:

Ambry Genetics
Classification: Uncertain significance for Hereditary cancer-predisposing syndrome. Last evaluated: 2023-12-16. Review status: criteria provided, single submitter. Criteria: Ambry Variant Classification Scheme 2023. Collection method: clinical testing. Allele origin: germline.
Comment: The p.M136I variant (also known as c.408G>A), located in coding exon 3 of the XRCC2 gene, results from a G to A substitution at nucleotide position 408. The methionine at codon 136 is replaced by isoleucine, an amino acid with highly similar properties. This amino acid position is conserved. In addition, this alteration is predicted to be tolerated by in silico analysis. Since supporting evidence is limited at this time, the clinical significance of this alteration remains unclear.

NM_005431.2(XRCC2):c.408G>A (p.Met136Ile)

Gene: XRCC2 (X-ray repair cross complementing 2; minus strand). Cytogenetic location: 7q36.1.
Variant type: single nucleotide variant.
Coding change: c.408G>A on transcript NM_005431.2 (MANE Select); coding-DNA position 408, G replaced by A.
Protein change: p.Met136Ile; replaces methionine 136 with isoleucine.
Molecular consequence: missense variant.
Genome position (GRCh38, 1-based): chr7:152,649,077, C>T on the plus strand (G>A on the coding strand, the complement: XRCC2 is on the minus strand). VCF-style: chr7-152649077-C-T. GRCh37 (hg19) VCF-style: chr7-152346162-C-T.
Other names: short protein forms M136I.
Identifiers: ClinVar variation 3224673 (VCV003224673.1), dbSNP rs2485881387, ClinGen allele CA370198766.